The following is an entry in ClinVar:

NM_001035.3(RYR2):c.4357T>C (p.Tyr1453His)

Gene: RYR2 (ryanodine receptor 2; plus strand). Cytogenetic location: 1q43.
Variant type: single nucleotide variant.
Coding change: c.4357T>C on transcript NM_001035.3 (MANE Select); coding-DNA position 4357, T replaced by C.
Protein change: p.Tyr1453His; replaces tyrosine 1453 with histidine.
Molecular consequence: missense variant.
Genome position (GRCh38, 1-based): chr1:237,593,557, T>C. VCF-style: chr1-237593557-T-C. GRCh37 (hg19) VCF-style: chr1-237756857-T-C.
Other names: c.4357T>C, p.Tyr1453His (LRG_402t1); short protein forms Y1453H.
Identifiers: ClinVar variation 639401 (VCV000639401.10), dbSNP rs1573013160, ClinGen allele CA345399854.

ClinVar aggregate classification (germline): Uncertain significance (1 of 4 stars; one submission).

Conditions:
Catecholaminergic polymorphic ventricular tachycardia 1. Also called: RYR2-Related Catecholaminergic Polymorphic Ventricular Tachycardia; VENTRICULAR TACHYCARDIA, CATECHOLAMINERGIC POLYMORPHIC, 1, WITH OR WITHOUT ATRIAL DYSFUNCTION AND/OR DILATED CARDIOMYOPATHY; VENTRICULAR TACHYCARDIA, STRESS-INDUCED POLYMORPHIC 1. Identifiers: Orphanet 3286, MedGen C1631597, MONDO:0011484, OMIM 604772.

Submission:

Labcorp Genetics (formerly Invitae), Labcorp
Classification: Uncertain significance for Catecholaminergic polymorphic ventricular tachycardia 1. Last evaluated: 2018-10-22. Review status: criteria provided, single submitter. Criteria: Invitae Variant Classification Sherloc (09022015). Collection method: clinical testing. Allele origin: germline.
Comment: This variant has not been reported in the literature in individuals with RYR2-related disease. In summary, the available evidence is currently insufficient to determine the role of this variant in disease. Therefore, it has been classified as a Variant of Uncertain Significance. Algorithms developed to predict the effect of missense changes on protein structure and function (SIFT, PolyPhen-2, Align-GVGD) all suggest that this variant is likely to be disruptive, but these predictions have not been confirmed by published functional studies and their clinical significance is uncertain. This variant is not present in population databases (ExAC no frequency). This sequence change replaces tyrosine with histidine at codon 1453 of the RYR2 protein (p.Tyr1453His). The tyrosine residue is highly conserved and there is a moderate physicochemical difference between tyrosine and histidine.